The following is an entry in ClinVar:

NM_022114.4(PRDM16):c.3385G>T (p.Asp1129Tyr)

Gene: PRDM16 (PR/SET domain 16; plus strand). Cytogenetic location: 1p36.32.
Variant type: single nucleotide variant.
Coding change: c.3385G>T on transcript NM_022114.4 (MANE Select); coding-DNA position 3385, G replaced by T.
Protein change: p.Asp1129Tyr; replaces aspartic acid 1129 with tyrosine.
Molecular consequence: missense variant.
Genome position (GRCh38, 1-based): chr1:3,430,972, G>T. VCF-style: chr1-3430972-G-T. GRCh37 (hg19) VCF-style: chr1-3347536-G-T.
Other names: c.3385G>T, p.Asp1129Tyr (NM_199454.3); short protein forms D1129Y.
Identifiers: ClinVar variation 541385 (VCV000541385.9), dbSNP rs776279865, ClinGen allele CA544857.

ClinVar aggregate classification (germline): Uncertain significance. Review status: criteria provided, multiple submitters, no conflicts (2 of 4 stars). 2 submissions from 2 submitters: Uncertain significance (2). Last evaluated 2024-06-20.

Conditions:
Inborn genetic diseases. Identifiers: MedGen C0950123, MeSH D030342.
Left ventricular noncompaction 8 (LVNC8). Identifiers: Orphanet 154, Orphanet 54260, MedGen C3809288, MONDO:0014152, OMIM 615373.

Allele frequency attached by ClinVar (database versions not stated): TOPMed below 0.00001; gnomAD exomes 0.00001 and 0.00003; ExAC 0.00004.
gnomAD v4.1: 7 of 1,611,562 alleles (0.00043%); highest among the groups gnomAD compares: Admixed American, 0.012%; no homozygotes.

Submissions (2):

Labcorp Genetics (formerly Invitae), Labcorp
Classification: Uncertain significance for Left ventricular noncompaction 8. Last evaluated: 2024-06-20. Review status: criteria provided, single submitter. Criteria: Invitae Variant Classification Sherloc (09022015). Collection method: clinical testing. Allele origin: germline.
Comment: This sequence change replaces aspartic acid, which is acidic and polar, with tyrosine, which is neutral and polar, at codon 1129 of the PRDM16 protein (p.Asp1129Tyr). This variant is present in population databases (rs776279865, gnomAD 0.02%). This variant has not been reported in the literature in individuals affected with PRDM16-related conditions. ClinVar contains an entry for this variant (Variation ID: 541385). An algorithm developed to predict the effect of missense changes on protein structure and function (PolyPhen-2) suggests that this variant is likely to be disruptive. In summary, the available evidence is currently insufficient to determine the role of this variant in disease. Therefore, it has been classified as a Variant of Uncertain Significance.

Ambry Genetics
Classification: Uncertain significance for Inborn genetic diseases. Last evaluated: 2021-11-12. Review status: criteria provided, single submitter. Criteria: Ambry Variant Classification Scheme 2023. Collection method: clinical testing. Allele origin: germline.